The following is an entry in ClinVar:

NM_000211.5(ITGB2):c.1697del (p.Pro566fs)

Gene: ITGB2 (integrin subunit beta 2; minus strand). Cytogenetic location: 21q22.3.
Variant type: Deletion.
Coding change: c.1697del on transcript NM_000211.5 (MANE Select); coding-DNA position 1697, one base deleted (C; older notation c.1697delC).
Protein change: p.Pro566fs; shifts the reading frame from proline 566.
Molecular consequence: frameshift variant.
Genome position (GRCh38, 1-based): chr21:44,889,456, G deleted on the plus strand (C on the coding strand, the reverse complement: ITGB2 is on the minus strand); the first of 3 consecutive G bases (chr21:44,889,456-44,889,458); deleting any one gives the same sequence. VCF-style (leftmost placement, unchanged base first): chr21-44889455-CG-C. GRCh37 (hg19) VCF-style: chr21-46309370-CG-C.
Other names: c.1697del, p.Pro566fs (NM_001127491.3); c.1490del, p.Pro497fs (NM_001303238.2); short protein forms P566fs, P497fs.
Identifiers: ClinVar variation 4710841 (VCV004710841.1).

ClinVar aggregate classification (germline): Pathogenic (1 of 4 stars; one submission).

Conditions:
Leukocyte adhesion deficiency 1 (LAD1). Also called: LEUKOCYTE ADHESION DEFICIENCY, TYPE I; LAD 1; Lymphocyte function-associated antigen 1 immunodeficiency; LFA 1 immunodeficiency. Identifiers: Orphanet 2968, Orphanet 99842, MedGen C0398738, MONDO:0007293, OMIM 116920.

Submission:

Labcorp Genetics (formerly Invitae), Labcorp
Classification: Pathogenic for Leukocyte adhesion deficiency 1. Last evaluated: 2025-07-09. Review status: criteria provided, single submitter. Criteria: Invitae Variant Classification Sherloc (09022015). Collection method: clinical testing. Allele origin: germline.
Comment: This sequence change creates a premature translational stop signal (p.Pro566Argfs*18) in the ITGB2 gene. It is expected to result in an absent or disrupted protein product. Loss-of-function variants in ITGB2 are known to be pathogenic (PMID: 22134107, 25703682). This variant is not present in population databases (gnomAD no frequency). This premature translational stop signal has been observed in individual(s) with leukocyte adhesion deficiency (PMID: 36696755). For these reasons, this variant has been classified as Pathogenic.

Literature cited by the submitters: PubMed 22134107; PubMed 25703682; PubMed 36696755.